The following is an entry in ClinVar:

NM_013247.5(HTRA2):c.139dup (p.Arg47fs)

Gene: HTRA2 (HtrA serine peptidase 2; plus strand). Cytogenetic location: 2p13.1.
Variant type: Duplication.
Coding change: c.139dup on transcript NM_013247.5 (MANE Select); coding-DNA position 139, one base duplicated (C; older notation c.139dupC).
Protein change: p.Arg47fs; shifts the reading frame from arginine 47.
Molecular consequence: frameshift variant. On other transcripts: non-coding transcript variant (1).
Genome position (GRCh38, 1-based): chr2:74,530,145, C duplicated; the last of 5 consecutive C bases (chr2:74,530,141-74,530,145); duplicating any one gives the same sequence. VCF-style (leftmost placement, unchanged base first): chr2-74530140-A-AC. GRCh37 (hg19) VCF-style: chr2-74757267-A-AC.
Other names: c.139dup, p.Arg47fs (NM_001321727.1, NM_001321728.1, NM_145074.2); short protein forms R47fs.
Identifiers: ClinVar variation 2875923 (VCV002875923.3), dbSNP rs1411383758, ClinGen allele CA1261470757.

ClinVar aggregate classification (germline): Pathogenic (1 of 4 stars; one submission).

Submission:

Labcorp Genetics (formerly Invitae), Labcorp
Classification: Pathogenic. Last evaluated: 2023-06-10. Review status: criteria provided, single submitter. Criteria: Invitae Variant Classification Sherloc (09022015). Collection method: clinical testing. Allele origin: germline.
Comment: For these reasons, this variant has been classified as Pathogenic. This variant has not been reported in the literature in individuals affected with HTRA2-related conditions. This variant is not present in population databases (gnomAD no frequency). This sequence change creates a premature translational stop signal (p.Arg47Profs*21) in the HTRA2 gene. It is expected to result in an absent or disrupted protein product. Loss-of-function variants in HTRA2 are known to be pathogenic (PMID: 25531304, 27208207, 27696117).

Literature cited by the submitters: PubMed 25531304; PubMed 27208207; PubMed 27696117.